The following is an entry in ClinVar:

NM_021096.4(CACNA1I):c.4644G>C (p.Lys1548Asn)

Gene: CACNA1I (calcium voltage-gated channel subunit alpha1 I; plus strand). Cytogenetic location: 22q13.1.
Variant type: single nucleotide variant.
Coding change: c.4644G>C on transcript NM_021096.4 (MANE Select); coding-DNA position 4644, G replaced by C.
Protein change: p.Lys1548Asn; replaces lysine 1548 with asparagine.
Molecular consequence: missense variant.
Genome position (GRCh38, 1-based): chr22:39,672,303, G>C. VCF-style: chr22-39672303-G-C. GRCh37 (hg19) VCF-style: chr22-40068308-G-C.
Other names: c.4539G>C, p.Lys1513Asn (NM_001003406.2); short protein forms K1513N, K1548N.
Identifiers: ClinVar variation 3384418 (VCV003384418.1).

ClinVar aggregate classification (germline): Uncertain significance (1 of 4 stars; one submission).

Submission:

GeneDx
Classification: Uncertain significance. Last evaluated: 2024-05-20. Review status: criteria provided, single submitter. Criteria: GeneDx Variant Classification Process June 2021. Collection method: clinical testing. Allele origin: germline. Affected: yes.
Comment: Not observed at significant frequency in large population cohorts (gnomAD); In silico analysis supports that this missense variant has a deleterious effect on protein structure/function; Has not been previously published as pathogenic or benign to our knowledge